The following is an entry in ClinVar:

NM_182643.3(DLC1):c.80G>A (p.Arg27His)

Gene: DLC1 (DLC1 Rho GTPase activating protein; minus strand). Cytogenetic location: 8p22.
Variant type: single nucleotide variant.
Coding change: c.80G>A on transcript NM_182643.3 (MANE Select); coding-DNA position 80, G replaced by A.
Protein change: p.Arg27His; replaces arginine 27 with histidine.
Molecular consequence: missense variant. On other transcripts: 5 prime UTR variant (1).
Genome position (GRCh38, 1-based): chr8:13,499,992, C>T on the plus strand (G>A on the coding strand, the complement: DLC1 is on the minus strand). VCF-style: chr8-13499992-C-T. GRCh37 (hg19) VCF-style: chr8-13357501-C-T.
Other names: c.80G>A, p.Arg27His (NM_001348081.2, NM_001413124.1, NM_001413125.1 and 1 more transcripts); c.-1372G>A (NM_001348082.2); short protein forms R27H.
Identifiers: ClinVar variation 2419688 (VCV002419688.7), dbSNP rs11990333, ClinGen allele CA4639589.

ClinVar aggregate classification (germline): Uncertain significance (1 of 4 stars; one submission).

Allele frequency attached by ClinVar (database versions not stated): gnomAD 0.00009; ExAC 0.00010; TOPMed 0.00018; ESP Exome Variant Server 0.00031.

Submission:

Labcorp Genetics (formerly Invitae), Labcorp
Classification: Uncertain significance. Last evaluated: 2025-06-24. Review status: criteria provided, single submitter. Criteria: Invitae Variant Classification Sherloc (09022015). Collection method: clinical testing. Allele origin: germline.
Comment: This sequence change replaces arginine, which is basic and polar, with histidine, which is basic and polar, at codon 27 of the DLC1 protein (p.Arg27His). This variant is present in population databases (rs11990333, gnomAD 0.03%). This variant has not been reported in the literature in individuals affected with DLC1-related conditions. ClinVar contains an entry for this variant (Variation ID: 2419688). An algorithm developed to predict the effect of missense changes on protein structure and function outputs the following: PolyPhen-2: "Benign". The histidine amino acid residue is found in multiple mammalian species, which suggests that this missense change does not adversely affect protein function. In summary, the available evidence is currently insufficient to determine the role of this variant in disease. Therefore, it has been classified as a Variant of Uncertain Significance.